The following is an entry in ClinVar:

ClinVar aggregate classification (germline): Uncertain significance. Review status: criteria provided, multiple submitters, no conflicts (2 of 4 stars). 3 submissions from 3 submitters: Uncertain significance (3). Last evaluated 2024-05-28.

Conditions:
Meckel-Gruber syndrome. Also called: Dysencephalia splachnocystica; DYSENCEPHALIA SPLANCHNOCYSTICA; GRUBER SYNDROME. Identifiers: Orphanet 564, MedGen C0265215, MONDO:0018921.
Joubert syndrome. Also called: Familial aplasia of the vermis; JOUBERT-BOLTSHAUSER SYNDROME. Identifiers: Orphanet 475, MedGen C5979921, MONDO:0018772.
Joubert syndrome 9 (JBTS9). Identifiers: Orphanet 2318, MedGen C2676788, MONDO:0012849, OMIM 612285.
Meckel syndrome, type 6. Identifiers: Orphanet 564, MedGen C2676790, MONDO:0012848, OMIM 612284.
Retinitis pigmentosa 93. Identifiers: MedGen C5676970, MONDO:0030797, OMIM 619845.
COACH syndrome 2. Identifiers: MedGen C5436837, MONDO:0030859, OMIM 619111.

Allele frequency attached by ClinVar (database versions not stated): gnomAD exomes below 0.00001.
gnomAD v4.1: 1 of 1,601,422 alleles (0.000062%); highest among the groups gnomAD compares: East Asian, 0.0022%; no homozygotes.

Submissions (3):

Fulgent Genetics
Classification: Uncertain significance for Meckel syndrome, type 6; Joubert syndrome 9; COACH syndrome 2; Retinitis pigmentosa 93. Last evaluated: 2024-05-28. Review status: criteria provided, single submitter. Criteria: ACMG Guidelines, 2015. Collection method: clinical testing. Allele origin: germline.

Labcorp Genetics (formerly Invitae), Labcorp
Classification: Uncertain significance for Joubert syndrome; Meckel-Gruber syndrome. Last evaluated: 2021-06-29. Review status: criteria provided, single submitter. Criteria: Invitae Variant Classification Sherloc (09022015). Collection method: clinical testing. Allele origin: germline.
Comment: This sequence change affects codon 146 of the CC2D2A mRNA. It is a 'silent' change, meaning that it does not change the encoded amino acid sequence of the CC2D2A protein. This variant also falls at the last nucleotide of exon 7, which is part of the consensus splice site for this exon. This variant is not present in population databases (ExAC no frequency). This variant has not been reported in the literature in individuals affected with CC2D2A-related conditions. ClinVar contains an entry for this variant (Variation ID: 594940). Nucleotide substitutions within the consensus splice site are a relatively common cause of aberrant splicing (PMID: 17576681, 9536098). Algorithms developed to predict the effect of sequence changes on RNA splicing suggest that this variant may disrupt the consensus splice site. In summary, the available evidence is currently insufficient to determine the role of this variant in disease. Therefore, it has been classified as a Variant of Uncertain Significance.

Eurofins Ntd Llc (ga)
Classification: Uncertain significance. Last evaluated: 2017-11-08. Review status: criteria provided, single submitter. Criteria: EGL Classification Definitions 2015. Collection method: clinical testing. Allele origin: germline. Observed: 1 variant allele, 1 heterozygote.

Literature cited by the submitters: PubMed 17576681 (cited by Labcorp Genetics (formerly Invitae), Labcorp); PubMed 9536098 (cited by Labcorp Genetics (formerly Invitae), Labcorp).

NM_001378615.1(CC2D2A):c.438G>A (p.Glu146=)

Genes: CC2D2A (coiled-coil and C2 domain containing 2A; plus strand), FBXL5 (F-box and leucine rich repeat protein 5; minus strand). Cytogenetic location: 4p15.32.
Variant type: single nucleotide variant.
Coding change: c.438G>A on transcript NM_001378615.1 (MANE Select); coding-DNA position 438, G replaced by A.
Protein change: p.Glu146=; no amino-acid change (glutamic acid 146 retained).
Molecular consequence: synonymous variant.
Genome position (GRCh38, 1-based): chr4:15,502,923, G>A. VCF-style: chr4-15502923-G-A. GRCh37 (hg19) VCF-style: chr4-15504546-G-A.
Other names: c.438G>A, p.Glu146= (NM_001080522.2); c.291G>A, p.Glu97= (NM_001378617.1).
Identifiers: ClinVar variation 594940 (VCV000594940.12), dbSNP rs1215345163, ClinGen allele CA438380295.